The following is an entry in ClinVar:

NC_000017.11:g.(?_31248974)_(31265349_?)del

Gene: NF1 (neurofibromin 1; plus strand). Cytogenetic location: 17q11.2.
Variant type: Deletion.
Identifiers: ClinVar variation 830849 (VCV000830849.1).

ClinVar aggregate classification (germline): Pathogenic (1 of 4 stars; one submission).

Conditions:
Neurofibromatosis, type 1 (NF1). Also called: Neurofibromatosis, type I; Peripheral type neurofibromatosis; VON RECKLINGHAUSEN DISEASE; NEUROFIBROMATOSIS, TYPE I, SOMATIC. Identifiers: Orphanet 636, MedGen C0027831, MONDO:0018975, OMIM 162200. Disease mechanism: loss of function.

Submission:

Labcorp Genetics (formerly Invitae), Labcorp
Classification: Pathogenic for Neurofibromatosis, type 1. Last evaluated: 2019-01-12. Review status: criteria provided, single submitter. Criteria: Invitae Variant Classification Sherloc (09022015). Collection method: clinical testing. Allele origin: germline.
Comment: This variant is an in-frame deletion of the genomic region encompassing exons 30-35 of the NF1 gene. It preserves the integrity of the reading frame. This variant has been observed in an individual tested for neurofibromatosis type 1 (PMID: 26740943). Experimental studies and prediction algorithms are not available for this variant, and the functional significance of the affected amino acid(s) is currently unknown. Sub-genic deletion of exons 34-35 has been determined to be pathogenic (PMID: 16283621, 18055911, Invitae). Therefore, deletions that fully encompass that region are also expected to be pathogenic. For these reasons, this variant has been classified as Pathogenic.

Literature cited by the submitters: PubMed 16283621; PubMed 18055911; PubMed 26740943.